The following is an entry in ClinVar:

ClinVar aggregate classification (germline): Likely pathogenic (1 of 4 stars; one submission).

Conditions:
Multiple endocrine neoplasia, type 1 (MEN1). Also called: Endocrine adenomatosis multiple; MEN 1; MEA I; MEN I; WERMER SYNDROME. Identifiers: Orphanet 652, MedGen C0025267, MeSH D018761, MONDO:0007540, OMIM 131100.

Submission:

Women's Health and Genetics/Laboratory Corporation of America, LabCorp
Classification: Likely pathogenic for Multiple Endocrine Neoplasia Type 1. Last evaluated: 2011-08-18. Review status: criteria provided, single submitter. Criteria: LabCorp Variant Classification Summary - May 2015. Collection method: curation, clinical testing. Allele origin: germline. Inheritance: autosomal unknown. Affected: yes.
ClinVar note: Converted during submission from likely pathogenic to Likely pathogenic.

NM_001370259.2(MEN1):c.465_466insAATT (p.Gly156fs)

Gene: MEN1 (menin 1; minus strand). Cytogenetic location: 11q13.1.
Variant type: Insertion.
Coding change: c.465_466insAATT on transcript NM_001370259.2 (MANE Select); coding-DNA positions 465 to 466, AATT inserted.
Protein change: p.Gly156fs; shifts the reading frame from glycine 156.
Molecular consequence: frameshift variant.
Genome position: GRCh38 VCF-style: chr11-64808079-C-CAATT. GRCh37 (hg19) VCF-style: chr11-64575551-C-CAATT.
Other names: c.480_481insAATT, p.Gly161fs (NM_000244.4, NM_130800.3, NM_130801.3 and 3 more transcripts); c.465_466insAATT, p.Gly156fs (NM_001370251.2, NM_001370260.2, NM_001370261.2 and 3 more transcripts); short protein forms G156fs, G161fs.
Identifiers: ClinVar variation 36530 (VCV000036530.4), dbSNP rs386134255, ClinGen allele CA009428.